The following is an entry in ClinVar:

ClinVar aggregate classification (germline): Conflicting classifications of pathogenicity. Review status: criteria provided, conflicting classifications (1 of 4 stars). 7 submissions from 7 submitters: Uncertain significance (1); Likely benign (3). 3 of the submissions do not count toward it. Last evaluated 2026-01-28.

Conditions:
Retinitis pigmentosa 26 (RP26). Identifiers: Orphanet 791, MedGen C1842127, MONDO:0012024, OMIM 608380.
Retinitis pigmentosa (RP). Identifiers: Orphanet 791, MedGen C0035334, MeSH D012174, MONDO:0019200, OMIM 268000. Inheritance: Autosomal dominant, autosomal recessive and X linked inheritance.

Allele frequency attached by ClinVar (database versions not stated): ExAC 0.00019; ESP Exome Variant Server 0.00023; 1000 Genomes Project 30x 0.00031; gnomAD exomes 0.00031; gnomAD 0.00034 and 0.00035; 1000 Genomes Project 0.00040; TOPMed 0.00048.
gnomAD v4.1: 429 of 1,603,676 alleles (0.027%); highest among the groups gnomAD compares: Admixed American, 0.087%; 1 homozygote.

Submissions (7):

Labcorp Genetics (formerly Invitae), Labcorp
Classification: Likely benign. Last evaluated: 2026-01-28. Review status: criteria provided, single submitter. Criteria: Invitae Variant Classification Sherloc (09022015). Collection method: clinical testing. Allele origin: germline.

Blueprint Genetics
Classification: Likely benign. Last evaluated: 2024-11-11. Review status: criteria provided, single submitter. Criteria: ACMG Guidelines, 2015. Collection method: clinical testing. Allele origin: germline.

CeGaT Center for Human Genetics Tuebingen
Classification: Likely benign. Last evaluated: 2024-09-01. Review status: criteria provided, single submitter. Criteria: CeGaT Center For Human Genetics Tuebingen Variant Classification Criteria Version 2. Collection method: clinical testing. Allele origin: germline. Affected: yes. Observed: 1 variant allele.
Comment: CERKL: BP4, BP7

Illumina Laboratory Services, Illumina
Classification: Uncertain significance for Retinitis pigmentosa. Last evaluated: 2018-01-13. Review status: criteria provided, single submitter. Criteria: ICSL Variant Classification Criteria 13 December 2019. Collection method: clinical testing. Allele origin: germline.

Natera, Inc.
Classification: Likely benign for Retinitis pigmentosa type 26. Last evaluated: 2020-06-10. Review status: no assertion criteria provided. Collection method: clinical testing. Allele origin: germline. Not counted in ClinVar's aggregate classification.

Clinical Genetics DNA and cytogenetics Diagnostics Lab, Erasmus MC, Erasmus Medical Center
Classification: Likely benign. Review status: no assertion criteria provided. Collection method: clinical testing. Allele origin: germline. Affected: yes. Study: VKGL Data-share Consensus. Not counted in ClinVar's aggregate classification.

Clinical Genetics, Academic Medical Center
Classification: Benign. Review status: no assertion criteria provided. Collection method: clinical testing. Allele origin: germline. Affected: yes. Study: VKGL Data-share Consensus. Not counted in ClinVar's aggregate classification.

NM_201548.5(CERKL):c.102G>T (p.Thr34=)

Gene: CERKL (CERK like autophagy regulator; minus strand). Cytogenetic location: 2q31.3.
Variant type: single nucleotide variant.
Coding change: c.102G>T on transcript NM_201548.5 (MANE Select); coding-DNA position 102, G replaced by T.
Protein change: p.Thr34=; no amino-acid change (threonine 34 retained).
Molecular consequence: synonymous variant. On other transcripts: non-coding transcript variant (2).
Genome position (GRCh38, 1-based): chr2:181,656,905, C>A on the plus strand (G>T on the coding strand, the complement: CERKL is on the minus strand). VCF-style: chr2-181656905-C-A. GRCh37 (hg19) VCF-style: chr2-182521632-C-A.
Other names: c.102G>T, p.Thr34= (NM_001030311.3, NM_001030312.3, NM_001030313.3 and 1 more transcripts).
Identifiers: ClinVar variation 781951 (VCV000781951.33), dbSNP rs149346187, ClinGen allele CA2010952.